The following is an entry in ClinVar:

ClinVar aggregate classification (germline): Likely benign (1 of 4 stars; one submission).

Allele frequency attached by ClinVar (database versions not stated): gnomAD 0.00002; TOPMed 0.00002; ExAC 0.00006; 1000 Genomes Project 30x 0.00016; 1000 Genomes Project 0.00020.

Submission:

CeGaT Center for Human Genetics Tuebingen
Classification: Likely benign. Last evaluated: 2024-03-01. Review status: criteria provided, single submitter. Criteria: CeGaT Center For Human Genetics Tuebingen Variant Classification Criteria Version 2. Collection method: clinical testing. Allele origin: germline. Affected: yes. Observed: 1 variant allele.
Comment: NCDN: BP4, BP7

NM_014284.3(NCDN):c.363C>T (p.Ala121=)

Gene: NCDN (neurochondrin; plus strand). Cytogenetic location: 1p34.3.
Variant type: single nucleotide variant.
Coding change: c.363C>T on transcript NM_014284.3 (MANE Select); coding-DNA position 363, C replaced by T.
Protein change: p.Ala121=; no amino-acid change (alanine 121 retained).
Molecular consequence: synonymous variant.
Genome position (GRCh38, 1-based): chr1:35,560,514, C>T. VCF-style: chr1-35560514-C-T. GRCh37 (hg19) VCF-style: chr1-36026115-C-T.
Other names: c.363C>T, p.Ala121= (NM_001014839.2); c.312C>T, p.Ala104= (NM_001014841.2).
Identifiers: ClinVar variation 3067426 (VCV003067426.21), dbSNP rs536117152, ClinGen allele CA760101.